The following is an entry in ClinVar:

NM_001170629.2(CHD8):c.347del (p.Thr116fs)

Gene: CHD8 (chromodomain helicase DNA binding protein 8; minus strand). Cytogenetic location: 14q11.2.
Variant type: Deletion.
Coding change: c.347del on transcript NM_001170629.2 (MANE Select); coding-DNA position 347, one base deleted (C; older notation c.347delC).
Protein change: p.Thr116fs; shifts the reading frame from threonine 116.
Molecular consequence: frameshift variant. On other transcripts: intron variant (1).
Genome position (GRCh38, 1-based): chr14:21,431,297, G deleted on the plus strand (C on the coding strand, the reverse complement: CHD8 is on the minus strand). VCF-style (leftmost placement, unchanged base first): chr14-21431296-TG-T. GRCh37 (hg19) VCF-style: chr14-21899455-TG-T.
Other names: c.6+514del (NM_020920.4).
Identifiers: ClinVar variation 431177 (VCV000431177.3), dbSNP rs1135401763, ClinGen allele CA645372991.

ClinVar aggregate classification (germline): Pathogenic (1 of 4 stars; one submission).

Conditions:
Intellectual developmental disorder with autism and macrocephaly. Also called: CHD8-Related Neurodevelopmental Disorder with Overgrowth; Autism, susceptibility to, 18. Identifiers: Orphanet 642675, MedGen C3554373, MONDO:0014017, OMIM 615032.

Submission:

Institute of Human Genetics, FAU Erlangen, Friedrich-Alexander-Universität Erlangen-Nürnberg
Classification: Pathogenic for Intellectual developmental disorder with autism and macrocephaly. Last evaluated: 2017-08-01. Review status: criteria provided, single submitter. Criteria: ACMG Guidelines, 2015. Collection method: clinical testing. Allele origin: de novo. Inheritance: Sporadic. Affected: yes. Observed: 1 variant allele, 1 heterozygote.